The following is an entry in ClinVar:

ClinVar aggregate classification (germline): Uncertain significance (1 of 4 stars; one submission).

Conditions:
Cardiovascular phenotype. Identifiers: MedGen CN230736.

Allele frequency attached by ClinVar (database versions not stated): TOPMed 0.00001.

Submission:

Ambry Genetics
Classification: Uncertain significance for Cardiovascular phenotype. Last evaluated: 2020-12-08. Review status: criteria provided, single submitter. Criteria: Ambry Variant Classification Scheme 2023. Collection method: clinical testing. Allele origin: germline.
Comment: The p.E129Q variant (also known as c.385G>C), located in coding exon 4 of the PRDM5 gene, results from a G to C substitution at nucleotide position 385. The glutamic acid at codon 129 is replaced by glutamine, an amino acid with highly similar properties. This amino acid position is highly conserved in available vertebrate species. In addition, this alteration is predicted to be tolerated by in silico analysis. Since supporting evidence is limited at this time, the clinical significance of this alteration remains unclear.

NM_018699.4(PRDM5):c.385G>C (p.Glu129Gln)

Gene: PRDM5 (PR/SET domain 5; minus strand). Cytogenetic location: 4q27.
Variant type: single nucleotide variant.
Coding change: c.385G>C on transcript NM_018699.4 (MANE Select); coding-DNA position 385, G replaced by C.
Protein change: p.Glu129Gln; replaces glutamic acid 129 with glutamine.
Molecular consequence: missense variant.
Genome position (GRCh38, 1-based): chr4:120,821,261, C>G on the plus strand (G>C on the coding strand, the complement: PRDM5 is on the minus strand). VCF-style: chr4-120821261-C-G. GRCh37 (hg19) VCF-style: chr4-121742416-C-G.
Other names: c.385G>C, p.Glu129Gln (NM_001300823.2, NM_001300824.2, NM_001379104.1 and 1 more transcripts); short protein forms E129Q.
Identifiers: ClinVar variation 1735597 (VCV001735597.2), dbSNP rs1360944756, ClinGen allele CA358208839.
Genomic context (GRCh38, chr4:120,821,261, plus strand): 5'-AATTTTCAACTTCCCCTTCTTTGATGACTGTCATAATTTGCTGTTCTTCCTCCTCAGCCT[C>G]CATGTCACTATCCAGGTAGCCAATCAGAAGCTCCGTGTCTGTTTCTATATCTTCAACTGC-3'
Protein context (NP_061169.2, residues 119-139): LLIGYLDSDM[Glu129Gln]AEEEEQQIMT